The following is an entry in ClinVar:

ClinVar aggregate classification (germline): Likely benign. Review status: criteria provided, multiple submitters, no conflicts (2 of 4 stars). 2 submissions from 2 submitters: Likely benign (2). Last evaluated 2024-04-02.

Conditions:
Erythrocytosis, familial, 4 (ECYT4). Identifiers: Orphanet 247511, MedGen C2673187, MONDO:0012729, OMIM 611783.

Allele frequency attached by ClinVar (database versions not stated): TOPMed 0.00002.
gnomAD v4.1: 84 of 1,614,054 alleles (0.0052%); highest among the groups gnomAD compares: Non-Finnish European, 0.0024%; no homozygotes.

Submissions (2):

Labcorp Genetics (formerly Invitae), Labcorp
Classification: Likely benign. Last evaluated: 2024-04-02. Review status: criteria provided, single submitter. Criteria: Invitae Variant Classification Sherloc (09022015). Collection method: clinical testing. Allele origin: germline.

Illumina Laboratory Services, Illumina
Classification: Likely benign for Erythrocytosis, familial, 4. Last evaluated: 2018-01-13. Review status: criteria provided, single submitter. Criteria: ICSL Variant Classification Criteria 13 December 2019. Collection method: clinical testing. Allele origin: germline.
Comment: This variant was observed in the ICSL laboratory as part of a predisposition screen in an ostensibly healthy population. It had not been previously curated by ICSL or reported in the Human Gene Mutation Database (HGMD: prior to June 1st, 2018), and was therefore a candidate for classification through an automated scoring system. Utilizing variant allele frequency, disease prevalence and penetrance estimates, and inheritance mode, an automated score was calculated to assess if this variant is too frequent to cause the disease. Based on the score and internal cut-off values, a variant classified as likely benign is not then subjected to further curation. The score for this variant resulted in a classification of likely benign for this disease.

NM_001430.5(EPAS1):c.587C>A (p.Thr196Lys)

Genes: EPAS1 (endothelial PAS domain protein 1; plus strand), LOC126806210 (BRD4-independent group 4 enhancer GRCh37_chr2:46587586-46588785; plus strand). Cytogenetic location: 2p21.
Variant type: single nucleotide variant.
Coding change: c.587C>A on transcript NM_001430.5 (MANE Select); coding-DNA position 587, C replaced by A.
Protein change: p.Thr196Lys; replaces threonine 196 with lysine.
Molecular consequence: missense variant.
Genome position (GRCh38, 1-based): chr2:46,360,898, C>A. VCF-style: chr2-46360898-C-A. GRCh37 (hg19) VCF-style: chr2-46588037-C-A.
Other names: short protein forms T196K.
Identifiers: ClinVar variation 895866 (VCV000895866.6), dbSNP rs780349023, ClinGen allele CA1644708.